The following is an entry in ClinVar:

NM_000360.4(TH):c.1010C>T (p.Pro337Leu)

Gene: TH (tyrosine hydroxylase; minus strand). Cytogenetic location: 11p15.5.
Variant type: single nucleotide variant.
Coding change: c.1010C>T on transcript NM_000360.4 (MANE Select); coding-DNA position 1010, C replaced by T.
Protein change: p.Pro337Leu; replaces proline 337 with leucine.
Molecular consequence: missense variant.
Genome position (GRCh38, 1-based): chr11:2,166,517, G>A on the plus strand (C>T on the coding strand, the complement: TH is on the minus strand). VCF-style: chr11-2166517-G-A. GRCh37 (hg19) VCF-style: chr11-2187747-G-A.
Other names: c.1103C>T (NM_199292.2); c.1103C>T, p.Pro368Leu (NM_199292.3); c.1091C>T, p.Pro364Leu (NM_199293.3); short protein forms P368L, P364L, P337L.
Identifiers: ClinVar variation 1363733 (VCV001363733.5), dbSNP rs2133692289, ClinGen allele CA379125998.

ClinVar aggregate classification (germline): Conflicting classifications of pathogenicity. Review status: criteria provided, conflicting classifications (1 of 4 stars). 2 submissions from 2 submitters: Pathogenic (1); Uncertain significance (1). Last evaluated 2024-01-01.

Conditions:
TH-deficient dopa-responsive dystonia. Also called: Tyrosine Hydroxylase-Deficient Dopa-Responsive Dystonia; Segawa syndrome, autosomal recessive; DYT-TH. Identifiers: Orphanet 101150, MedGen C2673535, MONDO:0011551, OMIM 605407.

Submissions (2):

Baylor Genetics
Classification: Pathogenic for TH-deficient dopa-responsive dystonia. Last evaluated: 2024-01-01. Review status: criteria provided, single submitter. Criteria: ACMG Guidelines, 2015. Collection method: clinical testing. Allele origin: unknown.

Labcorp Genetics (formerly Invitae), Labcorp
Classification: Uncertain significance for TH-deficient dopa-responsive dystonia. Last evaluated: 2022-03-30. Review status: criteria provided, single submitter. Criteria: Invitae Variant Classification Sherloc (09022015). Collection method: clinical testing. Allele origin: germline.
Comment: This sequence change replaces proline, which is neutral and non-polar, with leucine, which is neutral and non-polar, at codon 368 of the TH protein (p.Pro368Leu). This variant is not present in population databases (gnomAD no frequency). This variant has not been reported in the literature in individuals affected with TH-related conditions. Advanced modeling of protein sequence and biophysical properties (such as structural, functional, and spatial information, amino acid conservation, physicochemical variation, residue mobility, and thermodynamic stability) performed at Invitae indicates that this missense variant is expected to disrupt TH protein function. In summary, the available evidence is currently insufficient to determine the role of this variant in disease. Therefore, it has been classified as a Variant of Uncertain Significance.